The following is an entry in ClinVar:

NM_002860.4(ALDH18A1):c.1257A>G (p.Ala419=)

Gene: ALDH18A1 (aldehyde dehydrogenase 18 family member A1; minus strand). Cytogenetic location: 10q24.1.
Variant type: single nucleotide variant.
Coding change: c.1257A>G on transcript NM_002860.4 (MANE Select); coding-DNA position 1257, A replaced by G.
Protein change: p.Ala419=; no amino-acid change (alanine 419 retained).
Molecular consequence: synonymous variant.
Genome position (GRCh38, 1-based): chr10:95,621,241, T>C on the plus strand (A>G on the coding strand, the complement: ALDH18A1 is on the minus strand). VCF-style: chr10-95621241-T-C. GRCh37 (hg19) VCF-style: chr10-97380998-T-C.
Other names: c.1251A>G, p.Ala417= (NM_001017423.2, NM_001323415.2); c.924A>G, p.Ala308= (NM_001323412.2, NM_001323416.2); c.1257A>G, p.Ala419= (NM_001323413.2, NM_001323414.2); c.1152A>G, p.Ala384= (NM_001323417.2); c.918A>G, p.Ala306= (NM_001323418.2); c.621A>G, p.Ala207= (NM_001323419.2).
Identifiers: ClinVar variation 4874654 (VCV004874654.2).

ClinVar aggregate classification (germline): Likely benign (1 of 4 stars; one submission).

gnomAD v4.1: 2 of 1,612,442 alleles (0.00012%); highest among the groups gnomAD compares: Non-Finnish European, 0.00017%; no homozygotes.

Submission:

CeGaT Center for Human Genetics Tuebingen
Classification: Likely benign. Last evaluated: 2026-04-01. Review status: criteria provided, single submitter. Criteria: CeGaT Center For Human Genetics Tuebingen Variant Classification Criteria Version 2. Collection method: clinical testing. Allele origin: germline. Affected: yes. Observed: 1 variant allele.
Comment: ALDH18A1: BP4, BP7